The following is an entry in ClinVar:

ClinVar aggregate classification (germline): Uncertain significance. Review status: criteria provided, multiple submitters, no conflicts (2 of 4 stars). 2 submissions from 2 submitters: Uncertain significance (2). Last evaluated 2026-04-30.

Conditions:
Hereditary cancer-predisposing syndrome. Also called: Tumor predisposition; Hereditary Cancer Syndrome; Neoplastic Syndromes, Hereditary; Hereditary neoplastic syndrome. Identifiers: Orphanet 140162, MedGen C0027672, MeSH D009386, MONDO:0015356.
Hereditary breast ovarian cancer syndrome. Also called: Hereditary breast and ovarian cancer; Hereditary breast and ovarian cancer syndrome (HBOC); Hereditary breast and ovarian cancer syndrome; Breast and ovarian cancer; Hereditary breast and/or ovarian cancer syndrome; BRCA1- and BRCA2-Associated Hereditary Breast and Ovarian Cancer. Identifiers: Orphanet 145, MedGen C0677776, MeSH D061325, MONDO:0003582. Disease mechanism: loss of function.

Submissions (2):

Ambry Genetics
Classification: Uncertain significance for Hereditary cancer-predisposing syndrome. Last evaluated: 2026-04-30. Review status: criteria provided, single submitter. Criteria: Ambry Variant Classification Scheme 2023. Collection method: clinical testing. Allele origin: germline.
Comment: The c.1462_1464dupATA variant (also known as p.I488dup), located in coding exon 9 of the BRCA2 gene, results from an in-frame duplication of ATA at nucleotide positions 1462 to 1464. This results in the duplication an isoleucine residue at codon 488. This amino acid position is poorly conserved in available vertebrate species. In addition, this variant is predicted to be neutral by in silico analysis (Choi Y et al. PLoS ONE. 2012; 7(10):e46688). Based on the available evidence, the clinical significance of this variant remains unclear.

Labcorp Genetics (formerly Invitae), Labcorp
Classification: Uncertain significance for Hereditary breast ovarian cancer syndrome. Last evaluated: 2018-07-31. Review status: criteria provided, single submitter. Criteria: Invitae Variant Classification Sherloc (09022015). Collection method: clinical testing. Allele origin: germline.
Comment: In summary, the available evidence is currently insufficient to determine the role of this variant in disease. Therefore, it has been classified as a Variant of Uncertain Significance. Experimental studies and prediction algorithms are not available for this variant, and the functional significance of the duplicated amino acid is currently unknown. This variant has not been reported in the literature in individuals with BRCA2-related disease. This variant is not present in population databases (ExAC no frequency). This variant, c.1462_1464dupATA, results in the insertion of 1 amino acid to the BRCA2 protein (p.Ile488dup), but otherwise preserves the integrity of the reading frame.

NM_000059.4(BRCA2):c.1462_1464dup (p.Ile488dup)

Gene: BRCA2 (BRCA2 DNA repair associated; plus strand). Cytogenetic location: 13q13.1.
Variant type: Duplication.
Coding change: c.1462_1464dup on transcript NM_000059.4 (MANE Select); coding-DNA positions 1462 to 1464, 3 bases duplicated (ATA; older notation c.1462_1464dupATA).
Protein change: p.Ile488dup; duplicates isoleucine 488.
Molecular consequence: inframe insertion.
Genome position (GRCh38, 1-based): chr13:32,332,940-32,332,942, ATA duplicated; duplicating any 3 consecutive bases within chr13:32,332,939-32,332,942 gives the same sequence; the c. name uses the placement nearest the transcript's 3' end. VCF-style (leftmost placement, unchanged base first): chr13-32332938-C-CAAT. GRCh37 (hg19) VCF-style: chr13-32907075-C-CAAT.
Other names: c.1462_1464dupATA (NM_000059.3).
Identifiers: ClinVar variation 654183 (VCV000654183.10), dbSNP rs1593892940, ClinGen allele CA915946961.